The following is an entry in ClinVar:

ClinVar aggregate classification (germline): Conflicting classifications of pathogenicity. Review status: criteria provided, conflicting classifications (1 of 4 stars). 10 submissions from 9 submitters: Uncertain significance (8); Likely benign (2). Last evaluated 2025-11-11.

Conditions:
Cardiovascular phenotype. Identifiers: MedGen CN230736.
Hereditary cancer-predisposing syndrome. Also called: Hereditary Cancer Syndrome; Neoplastic Syndromes, Hereditary; Tumor predisposition; Hereditary neoplastic syndrome. Identifiers: Orphanet 140162, MedGen C0027672, MeSH D009386, MONDO:0015356.
Neurofibromatosis, type 1 (NF1). Also called: Neurofibromatosis, type I; VON RECKLINGHAUSEN DISEASE; NEUROFIBROMATOSIS, TYPE I, SOMATIC; Peripheral type neurofibromatosis. Identifiers: Orphanet 636, MedGen C0027831, MONDO:0018975, OMIM 162200. Disease mechanism: loss of function.

Allele frequency attached by ClinVar (database versions not stated): ExAC 0.00002; gnomAD exomes 0.00002 and 0.00003; gnomAD 0.00003; TOPMed 0.00004.
gnomAD v4.1: 49 of 1,613,596 alleles (0.003%); highest among the groups gnomAD compares: Middle Eastern, 0.033%; no homozygotes.

Submissions (10):

Labcorp Genetics (formerly Invitae), Labcorp
Classification: Likely benign for Neurofibromatosis, type 1. Last evaluated: 2025-11-11. Review status: criteria provided, single submitter. Criteria: Invitae Variant Classification Sherloc (09022015). Collection method: clinical testing. Allele origin: germline.

Institute for Biomarker Research, Medical Diagnostic Laboratories, L.L.C.
Classification: Uncertain significance for Hereditary cancer-predisposing syndrome. Last evaluated: 2024-02-14. Review status: criteria provided, single submitter. Criteria: ACMG Guidelines, 2015. Collection method: clinical testing. Allele origin: germline.

Women's Health and Genetics/Laboratory Corporation of America, LabCorp
Classification: Uncertain significance. Last evaluated: 2024-01-29. Review status: criteria provided, single submitter. Criteria: LabCorp Variant Classification Summary - May 2015. Collection method: clinical testing. Allele origin: germline.
Comment: Variant summary: NF1 c.134A>G (p.Asn45Ser) results in a conservative amino acid change in the encoded protein sequence. Three of five in-silico tools predict a benign effect of the variant on protein function. The variant allele was found at a frequency of 2.4e-05 in 251188 control chromosomes. The available data on variant occurrences in the general population are insufficient to allow any conclusion about variant significance.c.134A>G has been reported in the literature in an individual affected with Neurofibromatosis Type 1 (Sabbagh_2013), however segregation analysis was not performed in this family. The variant was also reported in individuals affected with breast cancer (Dorling_2021), however it was found also in several controls (Momozawa_2018, Dorling_2021). These reports do not provide unequivocal conclusions about association of the variant with Neurofibromatosis Type 1. To our knowledge, no experimental evidence demonstrating an impact on protein function has been reported. The following publications have been ascertained in the context of this evaluation (PMID: 10678181, 23460398, 29872168, 23913538, 30287823, 27069254, 33471991). ClinVar contains an entry for this variant (Variation ID: 229787). Based on the evidence outlined above, the variant was classified as uncertain significance.

Ambry Genetics
Classification: Likely benign for Cardiovascular phenotype; Hereditary cancer-predisposing syndrome. Last evaluated: 2023-11-21. Review status: criteria provided, single submitter. Criteria: Ambry Variant Classification Scheme 2023. Collection method: clinical testing. Allele origin: germline.

Quest Diagnostics Nichols Institute San Juan Capistrano
Classification: Uncertain significance. Last evaluated: 2023-10-18. Review status: criteria provided, single submitter. Criteria: Quest Diagnostics criteria. Collection method: clinical testing. Allele origin: unknown.

Genome-Nilou Lab
Classification: Uncertain significance for Neurofibromatosis, type 1. Last evaluated: 2022-03-15. Review status: criteria provided, single submitter. Criteria: ACMG Guidelines, 2015. Collection method: clinical testing. Allele origin: germline. Affected: no.

Sema4
Classification: Uncertain significance for Hereditary cancer-predisposing syndrome. Last evaluated: 2022-02-14. Review status: criteria provided, single submitter. Criteria: Sema4 Curation Guidelines. Collection method: curation. Allele origin: germline.
Comment: The NF1 c.134A>G (p.N45S) variant has been reported in heterozygosity in at least one individual with neurofibromatosis type 1 (PMID: 23913538). It has also been reported in individuals with breast cancer, but was also reported in healthy controls (PMID: 33471991, 30287823). It was observed in 7/282552 chromosomes across all populations in the large and broad cohorts of the Genome Aggregation Database (PMID: 32461654). The variant has been reported in ClinVar (Variation ID: 229787). Functional studies have not been performed, and in silico predictions of the variant's effect on protein function are inconclusive. The evidence is insufficient to meet ACMG/AMP criteria for classifying the variant as benign or pathogenic. Thus, the clinical significance of this variant is currently uncertain.

GeneDx
Classification: Uncertain significance. Last evaluated: 2022-01-26. Review status: criteria provided, single submitter. Criteria: GeneDx Variant Classification Process June 2021. Collection method: clinical testing. Allele origin: germline. Affected: yes.
Comment: In silico analysis, which includes protein predictors and evolutionary conservation, supports that this variant does not alter protein structure/function; Observed in individuals with suspected neurofibromatosis type 1 (Sabbagh 2013); This variant is associated with the following publications: (PMID: 23913538, 30287823, 33471991)

ARUP Laboratories, Molecular Genetics and Genomics, ARUP Laboratories
Classification: Uncertain significance. Last evaluated: 2020-07-23. Review status: criteria provided, single submitter. Criteria: ARUP Molecular Germline Variant Investigation Process. Collection method: clinical testing. Allele origin: germline.
Comment: The NF1 c.134A>G; p.Asn45Ser variant (rs753189381) is reported in the literature in an individual affected with neurofibromatosis type I (Sabbagh 2013). This variant is found on seven chromosomes (7/282552 alleles) in the Genome Aggregation Database. The asparagine at codon 45 is moderately conserved, and computational analyses (SIFT, PolyPhen-2) predict that this variant is tolerated. However, due to limited information, the clinical significance of the p.Asn45Ser variant is uncertain at this time. References: Sabbagh A et al. NF1 molecular characterization and neurofibromatosis type I genotype-phenotype correlation: the French experience. Hum Mutat. 2013;34(11):1510-1518.

Ambry Genetics
Classification: Uncertain significance for Hereditary cancer-predisposing syndrome. Last evaluated: 2015-08-11. Review status: criteria provided, single submitter. Criteria: Ambry Autosomal Dominant and X-Linked criteria (10/2015). Collection method: clinical testing. Allele origin: germline. Observed: 1 variant allele.
Comment: Thep.N45Svariant (also known as c.134A>G), located in coding exon 2 of theNF1gene, results from an A to G substitution at nucleotide position 134. The asparagine at codon 45 is replaced by serine, an amino acid with highly similar properties. In the ESP, this variant was not observed in 6503 samples (13006 alleles) with coverage at this position. To date, this alteration has been detected with an allele frequency of approximately 0.01% (greater than 110000 alleles tested) in our clinical cohort. This amino acid position is highly conserved in available vertebrate species. In addition, this alteration is predicted to be tolerated by in silico analysis. Since supporting evidence is limited at this time, the clinical significance of p.N45Sremains unclear.

Literature cited by the submitters: PubMed 10678181 (cited by Women's Health and Genetics/Laboratory Corporation of America, LabCorp); PubMed 23460398 (cited by Women's Health and Genetics/Laboratory Corporation of America, LabCorp); PubMed 29872168 (cited by Women's Health and Genetics/Laboratory Corporation of America, LabCorp); PubMed 23913538 (cited by 4 submitters); PubMed 30287823 (cited by 3 submitters); PubMed 33471991 (cited by 3 submitters); PubMed 27069254 (cited by Women's Health and Genetics/Laboratory Corporation of America, LabCorp); PubMed 36243179 (cited by Quest Diagnostics Nichols Institute San Juan Capistrano).

NM_001042492.3(NF1):c.134A>G (p.Asn45Ser)

Gene: NF1 (neurofibromin 1; plus strand). Cytogenetic location: 17q11.2.
Variant type: single nucleotide variant.
Coding change: c.134A>G on transcript NM_001042492.3 (MANE Select); coding-DNA position 134, A replaced by G.
Protein change: p.Asn45Ser; replaces asparagine 45 with serine.
Molecular consequence: missense variant.
Genome position (GRCh38, 1-based): chr17:31,156,056, A>G. VCF-style: chr17-31156056-A-G. GRCh37 (hg19) VCF-style: chr17-29483074-A-G.
Other names: c.134A>G, p.Asn45Ser (NM_000267.4, NM_001128147.3); short protein forms N45S.
Identifiers: ClinVar variation 229787 (VCV000229787.29), dbSNP rs753189381, ClinGen allele CA8485481.